The following is an entry in ClinVar:

ClinVar aggregate classification (germline): Benign; risk factor. Review status: no assertion criteria provided (0 of 4 stars). 2 submissions from 2 submitters: Benign (1). Last evaluated 2019-10-16.

Conditions:
LTA-related disorder. Also called: LTA-related condition.
Myocardial infarction, susceptibility to. Identifiers: MedGen C1832662, MONDO:0012039, OMIM 608446.

Allele frequency attached by ClinVar (database versions not stated): gnomAD exomes 0.34676 and 0.35116; ExAC 0.34961; gnomAD 0.38199 and 0.38709; 1000 Genomes Project 0.38958; TOPMed 0.39137; 1000 Genomes Project 30x 0.39475.
gnomAD v4.1: 570,409 of 1,611,200 alleles (35%); highest among the groups gnomAD compares: African/African-American, 50%; 103,451 homozygotes.

Submissions (2):

PreventionGenetics, part of Exact Sciences
Classification: Benign for LTA-related condition. Last evaluated: 2019-10-16. Review status: no assertion criteria provided. Collection method: clinical testing. Allele origin: germline.
Comment: This variant is classified as benign based on ACMG/AMP sequence variant interpretation guidelines (Richards et al. 2015 PMID: 25741868, with internal and published modifications).

OMIM
Classification: risk factor for MYOCARDIAL INFARCTION, SUSCEPTIBILITY TO. Last evaluated: 2004-09-01. Review status: no assertion criteria provided. Collection method: literature only. Allele origin: germline.

Literature cited by the submitters: PubMed 12426569 (cited by OMIM); PubMed 15266304 (cited by OMIM).

NM_000595.4(LTA):c.179C>A (p.Thr60Asn)

Gene: LTA (lymphotoxin alpha; plus strand). Cytogenetic location: 6p21.33.
Variant type: single nucleotide variant.
Coding change: c.179C>A on transcript NM_000595.4 (MANE Select); coding-DNA position 179, C replaced by A.
Protein change: p.Thr60Asn; replaces threonine 60 with asparagine.
Molecular consequence: missense variant.
Genome position (GRCh38, 1-based): chr6:31,573,007, C>A. VCF-style: chr6-31573007-C-A. GRCh37 (hg19) VCF-style: chr6-31540784-C-A.
Other names: T26N; c.179C>A, p.Thr60Asn (NM_001159740.2); c.179C>A (NM_000595.3); short protein forms T60N.
Identifiers: ClinVar variation 14379 (VCV000014379.5), dbSNP rs1041981, ClinGen allele CA123913.
Genomic context (GRCh38, chr6:31,573,007, plus strand): 5'-TCACACCTTCAGCTGCCCAGACTGCCCGTCAGCACCCCAAGATGCATCTTGCCCACAGCA[C>A]CCTCAAACCTGCTGCTCACCTCATTGGTAAACATCCACCTGACCTCCCAGACATGTCCCC-3'
Protein context (NP_000586.2, residues 50-70): QHPKMHLAHS[Thr60Asn]LKPAAHLIGD